The following is an entry in ClinVar:

ClinVar aggregate classification (germline): Uncertain significance (1 of 4 stars; one submission).

Conditions:
Tay-Sachs disease (TSD). Also called: HEXA DEFICIENCY; GM2 gangliosidosis, type 1; Hexosaminidase alpha-subunit deficiency (variant B); Sphingolipidosis, Tay-Sachs; Hexosaminidase A Deficiency; HEXA Disorders. Identifiers: Orphanet 845, MedGen C0039373, MONDO:0010100, OMIM 272800.

Allele frequency attached by ClinVar (database versions not stated): gnomAD exomes below 0.00001.
gnomAD v4.1: 2 of 1,614,054 alleles (0.00012%); highest among the groups gnomAD compares: South Asian, 0.0011%; no homozygotes.

Submission:

Labcorp Genetics (formerly Invitae), Labcorp
Classification: Uncertain significance for Tay-Sachs disease. Last evaluated: 2021-08-13. Review status: criteria provided, single submitter. Criteria: Invitae Variant Classification Sherloc (09022015). Collection method: clinical testing. Allele origin: germline.
Comment: This sequence change affects codon 358 of the HEXA mRNA. It is a 'silent' change, meaning that it does not change the encoded amino acid sequence of the HEXA protein. It affects a nucleotide within the consensus splice site of the intron. This variant is not present in population databases (ExAC no frequency). This variant has not been reported in the literature in individuals affected with HEXA-related conditions. Algorithms developed to predict the effect of sequence changes on RNA splicing suggest that this variant may disrupt the consensus splice site. In summary, the available evidence is currently insufficient to determine the role of this variant in disease. Therefore, it has been classified as a Variant of Uncertain Significance.

NM_000520.6(HEXA):c.1074G>C (p.Thr358=)

Gene: HEXA (hexosaminidase subunit alpha; minus strand). Cytogenetic location: 15q23.
Variant type: single nucleotide variant.
Coding change: c.1074G>C on transcript NM_000520.6 (MANE Select); coding-DNA position 1074, G replaced by C.
Protein change: p.Thr358=; no amino-acid change (threonine 358 retained).
Molecular consequence: synonymous variant.
Genome position (GRCh38, 1-based): chr15:72,347,758, C>G on the plus strand (G>C on the coding strand, the complement: HEXA is on the minus strand). VCF-style: chr15-72347758-C-G. GRCh37 (hg19) VCF-style: chr15-72640099-C-G.
Other names: c.1107G>C, p.Thr369= (NM_001318825.2).
Identifiers: ClinVar variation 1498437 (VCV001498437.5), dbSNP rs1330754060, ClinGen allele CA491118675.
Genomic context (GRCh38, chr15:72,347,758, plus strand): 5'-ATCAAACACCTCCTGCCACACCACATAGCCCTTGCCATAAGAAGAGACGATGTCCAGCAG[C>G]CTGGAGAGGAGAGGAGTGTCTAGTAAGTGTCTGCTTAGCTCAGATGGGTTCTAGACTGTT-3'
Protein context (NP_000511.2, residues 348-368): FKQLESFYIQ[Thr358=]LLDIVSSYGK